The following is an entry in ClinVar:

NM_004360.5(CDH1):c.651A>G (p.Thr217=)

Gene: CDH1 (cadherin 1; plus strand). Cytogenetic location: 16q22.1.
Variant type: single nucleotide variant.
Coding change: c.651A>G on transcript NM_004360.5 (MANE Select); coding-DNA position 651, A replaced by G.
Protein change: p.Thr217=; no amino-acid change (threonine 217 retained).
Molecular consequence: synonymous variant. On other transcripts: 5 prime UTR variant (2).
Genome position (GRCh38, 1-based): chr16:68,808,812, A>G. VCF-style: chr16-68808812-A-G. GRCh37 (hg19) VCF-style: chr16-68842715-A-G.
Other names: c.651A>G, p.Thr217= (NM_001317184.2); c.-965A>G (NM_001317185.2); c.651A>G (NM_004360.4); c.-1169A>G (NM_001317186.2).
Identifiers: ClinVar variation 1649005 (VCV001649005.10), dbSNP rs2152130262, ClinGen allele CA496392416.

ClinVar aggregate classification (germline): Benign/Likely benign. Review status: criteria provided, multiple submitters, no conflicts (2 of 4 stars). 3 submissions from 3 submitters: Benign (1); Likely benign (2). Last evaluated 2024-09-13.

Conditions:
Hereditary diffuse gastric adenocarcinoma (HDGC). Also called: DIFFUSE GASTRIC AND LOBULAR BREAST CANCER SYNDROME. Identifiers: Orphanet 26106, MedGen C1708349, MONDO:0007648, OMIM 137215.

Submissions (3):

Myriad Genetics, Inc.
Classification: Benign for Hereditary diffuse gastric adenocarcinoma. Last evaluated: 2024-09-13. Review status: criteria provided, single submitter. Criteria: Myriad Autosomal Dominant, Autosomal Recessive and X-Linked Classification Criteria (2023). Collection method: clinical testing. Allele origin: unknown.
Comment: This variant is considered benign. This variant is a silent/synonymous amino acid change and it is not expected to impact splicing.

Quest Diagnostics Nichols Institute San Juan Capistrano
Classification: Likely benign. Last evaluated: 2023-06-13. Review status: criteria provided, single submitter. Criteria: Quest Diagnostics criteria. Collection method: clinical testing. Allele origin: unknown.

Labcorp Genetics (formerly Invitae), Labcorp
Classification: Likely benign for Hereditary diffuse gastric adenocarcinoma. Last evaluated: 2020-11-06. Review status: criteria provided, single submitter. Criteria: Invitae Variant Classification Sherloc (09022015). Collection method: clinical testing. Allele origin: germline.